The following is an entry in ClinVar:

NM_005228.5(EGFR):c.1606G>T (p.Val536Leu)

Gene: EGFR (epidermal growth factor receptor; plus strand). Cytogenetic location: 7p11.2.
Variant type: single nucleotide variant.
Coding change: c.1606G>T on transcript NM_005228.5 (MANE Select); coding-DNA position 1606, G replaced by T.
Protein change: p.Val536Leu; replaces valine 536 with leucine.
Molecular consequence: missense variant.
Genome position (GRCh38, 1-based): chr7:55,161,606, G>T. VCF-style: chr7-55161606-G-T. GRCh37 (hg19) VCF-style: chr7-55229299-G-T.
Other names: c.1471G>T, p.Val491Leu (NM_001346897.2, NM_001346899.2); c.1606G>T, p.Val536Leu (NM_001346898.2, NM_201282.2, NM_201284.2); c.1447G>T, p.Val483Leu (NM_001346900.2); c.805G>T, p.Val269Leu (NM_001346941.2); short protein forms V269L, V483L, V491L, V536L.
Identifiers: ClinVar variation 1009949 (VCV001009949.6), dbSNP rs767193132, ClinGen allele CA367579991.

ClinVar aggregate classification (germline): Uncertain significance (1 of 4 stars; one submission).

Conditions:
EGFR-related lung cancer (EGFR). Identifiers: MedGen CN130014.

gnomAD v4.1: 4 of 1,614,274 alleles (0.00025%); highest among the groups gnomAD compares: African/African-American, 0.0053%; no homozygotes.

Submission:

Labcorp Genetics (formerly Invitae), Labcorp
Classification: Uncertain significance for EGFR-related lung cancer. Last evaluated: 2023-02-23. Review status: criteria provided, single submitter. Criteria: Invitae Variant Classification Sherloc (09022015). Collection method: clinical testing. Allele origin: germline.
Comment: This sequence change replaces valine, which is neutral and non-polar, with leucine, which is neutral and non-polar, at codon 536 of the EGFR protein (p.Val536Leu). This variant is not present in population databases (gnomAD no frequency). This variant has not been reported in the literature in individuals affected with EGFR-related conditions. ClinVar contains an entry for this variant (Variation ID: 1009949). Advanced modeling of protein sequence and biophysical properties (such as structural, functional, and spatial information, amino acid conservation, physicochemical variation, residue mobility, and thermodynamic stability) performed at Invitae indicates that this missense variant is not expected to disrupt EGFR protein function. In summary, the available evidence is currently insufficient to determine the role of this variant in disease. Therefore, it has been classified as a Variant of Uncertain Significance.